The following continues an entry in ClinVar:

NM_000257.4(MYH7):c.5326A>G (p.Ser1776Gly)

Gene: MYH7. ClinVar aggregate classification (germline): Uncertain significance. Uncertain significance (1).

Submissions 18 to 22 of 22:

AiLife Diagnostics
Classification: Uncertain significance. Last evaluated: 2020-05-18. Review status: criteria provided, single submitter. Criteria: ACMG Guidelines, 2015. Collection method: clinical testing. Allele origin: germline. Affected: yes. Observed: 1 variant allele. Not counted in ClinVar's aggregate classification.

Laboratory for Molecular Medicine, Mass General Brigham Personalized Medicine
Classification: Uncertain significance. Last evaluated: 2018-11-29. Review status: criteria provided, single submitter. Criteria: LMM Criteria. Collection method: clinical testing. Allele origin: germline. Observed: 8 variant alleles. Not counted in ClinVar's aggregate classification.
Comment: The p.Ser1776Gly variant in MYH7 has been identified in at least 12 individuals with HCM (Blair 2002, Fokstuen 2010, Homburger 2016, Walsh 2017, Kelly 2018, Ho 2018, LMM data) and segregated with disease in 1 affected family member (Blair 2 002). It has also been identified in 0.03% (6/19954) of East Asian and 0.02% (5/ 24968) of African chromosomes by gnomAD. Comp utational prediction tools and conservation analysis suggest that this variant m ay impact the protein, though this information is not predictive enough to deter mine pathogenicity. Moreover, this variant was classified as a variant of uncert ain significance on December 15, 2016 by the ClinGen-approved Inherited Cardiomy opathy expert panel (SCV000564457.2). In summary, the clinical significance of t he p.Ser1776Gly variant is uncertain due to conflicting evidence. ACMG/AMP Crite ria applied: PP3.

Center for Pediatric Genomic Medicine, Children's Mercy Hospital and Clinics
Classification: Uncertain significance. Last evaluated: 2017-04-19. Review status: criteria provided, single submitter. Criteria: ACMG Guidelines, 2015. Collection method: clinical testing. Allele origin: germline. Not counted in ClinVar's aggregate classification.

Stanford Center for Inherited Cardiovascular Disease, Stanford University
Classification: Uncertain significance. Last evaluated: 2015-01-06. Review status: criteria provided, single submitter. Criteria: ACMG Guidelines, 2015. Collection method: provider interpretation. Allele origin: germline. Not counted in ClinVar's aggregate classification.

Genetics and Genomics Program, Sidra Medicine
Classification: Uncertain significance for Hypertrophic cardiomyopathy. Review status: criteria provided, single submitter. Criteria: ACMG Guidelines, 2015. Collection method: research. Allele origin: unknown. Affected: yes. Observed: 1 variant allele. Not counted in ClinVar's aggregate classification.

Literature cited by the submitters: PubMed 29300372 (cited by 4 submitters); PubMed 11861413 (cited by 6 submitters); PubMed 27247418 (cited by 7 submitters); PubMed 27532257 (cited by 7 submitters); PubMed 28518168 (cited by 4 submitters); PubMed 29121657 (cited by 7 submitters); PubMed 37652022 (cited by Labcorp Genetics (formerly Invitae), Labcorp); PubMed 16918501 (cited by 5 submitters); PubMed 24510615 (cited by Ambry Genetics); PubMed 30731207 (cited by Ambry Genetics and Women's Health and Genetics/Laboratory Corporation of America, LabCorp); PubMed 30847666 (cited by Ambry Genetics and Women's Health and Genetics/Laboratory Corporation of America, LabCorp); PubMed 31199839 (cited by Ambry Genetics and Women's Health and Genetics/Laboratory Corporation of America, LabCorp); PubMed 31493341 (cited by 3 submitters); PubMed 34542152 (cited by Ambry Genetics); PubMed 33495597 (cited by Color Diagnostics, LLC DBA Color Health and All of Us Research Program, National Institutes of Health); PubMed 21239446 (cited by Women's Health and Genetics/Laboratory Corporation of America, LabCorp and Laboratory for Molecular Medicine, Mass General Brigham Personalized Medicine); PubMed 34137518 (cited by Women's Health and Genetics/Laboratory Corporation of America, LabCorp); PubMed 34136434 (cited by Women's Health and Genetics/Laboratory Corporation of America, LabCorp); PubMed 11861410 (cited by Laboratory for Molecular Medicine, Mass General Brigham Personalized Medicine); PubMed 15136674 (cited by Laboratory for Molecular Medicine, Mass General Brigham Personalized Medicine); PubMed 30297972 (cited by Laboratory for Molecular Medicine, Mass General Brigham Personalized Medicine).